The following is an entry in ClinVar:

NM_001042492.3(NF1):c.1655T>A (p.Leu552His)

Gene: NF1 (neurofibromin 1; plus strand). Cytogenetic location: 17q11.2.
Variant type: single nucleotide variant.
Coding change: c.1655T>A on transcript NM_001042492.3 (MANE Select); coding-DNA position 1655, T replaced by A.
Protein change: p.Leu552His; replaces leucine 552 with histidine.
Molecular consequence: missense variant.
Genome position (GRCh38, 1-based): chr17:31,221,863, T>A. VCF-style: chr17-31221863-T-A. GRCh37 (hg19) VCF-style: chr17-29548881-T-A.
Other names: c.1655T>A, p.Leu552His (NM_000267.4, NM_001128147.3); short protein forms L552H.
Identifiers: ClinVar variation 2031392 (VCV002031392.4), dbSNP rs1555613193, ClinGen allele CA399002232.

ClinVar aggregate classification (germline): Likely pathogenic (1 of 4 stars; one submission).

Conditions:
Neurofibromatosis, type 1 (NF1). Also called: VON RECKLINGHAUSEN DISEASE; NEUROFIBROMATOSIS, TYPE I, SOMATIC; Neurofibromatosis, type I; Peripheral type neurofibromatosis. Identifiers: Orphanet 636, MedGen C0027831, MONDO:0018975, OMIM 162200. Disease mechanism: loss of function.

Submission:

Labcorp Genetics (formerly Invitae), Labcorp
Classification: Likely pathogenic for Neurofibromatosis, type 1. Last evaluated: 2022-09-20. Review status: criteria provided, single submitter. Criteria: Invitae Variant Classification Sherloc (09022015). Collection method: clinical testing. Allele origin: germline.
Comment: In summary, the currently available evidence indicates that the variant is pathogenic, but additional data are needed to prove that conclusively. Therefore, this variant has been classified as Likely Pathogenic. This variant disrupts the p.Leu552 amino acid residue in NF1. Other variant(s) that disrupt this residue have been determined to be pathogenic (Invitae). This suggests that this residue is clinically significant, and that variants that disrupt this residue are likely to be disease-causing. This sequence change replaces leucine, which is neutral and non-polar, with histidine, which is basic and polar, at codon 552 of the NF1 protein (p.Leu552His). This variant is not present in population databases (gnomAD no frequency). This variant has not been reported in the literature in individuals affected with NF1-related conditions. Advanced modeling of protein sequence and biophysical properties (such as structural, functional, and spatial information, amino acid conservation, physicochemical variation, residue mobility, and thermodynamic stability) performed at Invitae indicates that this missense variant is expected to disrupt NF1 protein function.